The following is an entry in ClinVar:

NM_205834.4(LSR):c.85C>T (p.Leu29Phe)

Gene: LSR (lipolysis stimulated lipoprotein receptor; plus strand). Cytogenetic location: 19q13.12.
Variant type: single nucleotide variant.
Coding change: c.85C>T on transcript NM_205834.4 (MANE Select); coding-DNA position 85, C replaced by T.
Protein change: p.Leu29Phe; replaces leucine 29 with phenylalanine.
Molecular consequence: missense variant.
Genome position (GRCh38, 1-based): chr19:35,249,107, C>T. VCF-style: chr19-35249107-C-T. GRCh37 (hg19) VCF-style: chr19-35740010-C-T.
Other names: c.85C>T, p.Leu29Phe (NM_001260489.2, NM_001260490.2, NM_001385215.1 and 2 more transcripts); short protein forms L29F.
Identifiers: ClinVar variation 2991588 (VCV002991588.3), dbSNP rs1167044758, ClinGen allele CA405285544.

ClinVar aggregate classification (germline): Uncertain significance (1 of 4 stars; one submission).

Allele frequency attached by ClinVar (database versions not stated): gnomAD exomes below 0.00001; TOPMed below 0.00001.

Submission:

Labcorp Genetics (formerly Invitae), Labcorp
Classification: Uncertain significance. Last evaluated: 2022-11-24. Review status: criteria provided, single submitter. Criteria: Invitae Variant Classification Sherloc (09022015). Collection method: clinical testing. Allele origin: germline.
Comment: In summary, the available evidence is currently insufficient to determine the role of this variant in disease. Therefore, it has been classified as a Variant of Uncertain Significance. Algorithms developed to predict the effect of missense changes on protein structure and function are either unavailable or do not agree on the potential impact of this missense change (SIFT: "Deleterious"; PolyPhen-2: "Benign"; Align-GVGD: "Class C0"). This variant has not been reported in the literature in individuals affected with LSR-related conditions. The frequency data for this variant in the population databases is considered unreliable, as metrics indicate poor data quality at this position in the gnomAD database. This sequence change replaces leucine, which is neutral and non-polar, with phenylalanine, which is neutral and non-polar, at codon 77 of the LSR protein (p.Leu77Phe).